The following is an entry in ClinVar:

NM_014314.4(RIGI):c.2299C>T (p.Arg767Cys)

Gene: RIGI (RNA sensor RIG-I; minus strand). Cytogenetic location: 9p21.1.
Variant type: single nucleotide variant.
Coding change: c.2299C>T on transcript NM_014314.4 (MANE Select); coding-DNA position 2299, C replaced by T.
Protein change: p.Arg767Cys; replaces arginine 767 with cysteine.
Molecular consequence: missense variant.
Genome position (GRCh38, 1-based): chr9:32,466,328, G>A on the plus strand (C>T on the coding strand, the complement: RIGI is on the minus strand). VCF-style: chr9-32466328-G-A. GRCh37 (hg19) VCF-style: chr9-32466326-G-A.
Other names: c.2293C>T, p.Arg765Cys (NM_001385907.1); c.2128C>T, p.Arg710Cys (NM_001385909.1); c.1858C>T, p.Arg620Cys (NM_001385910.1); c.1690C>T, p.Arg564Cys (NM_001385912.1); c.2284C>T, p.Arg762Cys (NM_001385913.1); c.1855C>T, p.Arg619Cys (NM_001385914.1); c.2299C>T (NM_014314.3); short protein forms R619C, R620C, R564C, R710C, R765C, R762C, R767C.
Identifiers: ClinVar variation 2956635 (VCV002956635.4), dbSNP rs372515643, ClinGen allele CA5019542.

ClinVar aggregate classification (germline): Uncertain significance. Review status: criteria provided, multiple submitters, no conflicts (2 of 4 stars). 2 submissions from 2 submitters: Uncertain significance (2). Last evaluated 2025-06-05.

Conditions:
Inborn genetic diseases. Identifiers: MedGen C0950123, MeSH D030342.

Allele frequency attached by ClinVar (database versions not stated): ExAC 0.00002; gnomAD exomes 0.00001; TOPMed 0.00003; ESP Exome Variant Server 0.00008; gnomAD 0.00005.
gnomAD v4.1: 31 of 1,613,720 alleles (0.0019%); highest among the groups gnomAD compares: African/African-American, 0.012%; no homozygotes.

Submissions (2):

Labcorp Genetics (formerly Invitae), Labcorp
Classification: Uncertain significance. Last evaluated: 2025-06-05. Review status: criteria provided, single submitter. Criteria: Invitae Variant Classification Sherloc (09022015). Collection method: clinical testing. Allele origin: germline.
Comment: This sequence change replaces arginine, which is basic and polar, with cysteine, which is neutral and slightly polar, at codon 767 of the DDX58 protein (p.Arg767Cys). This variant is present in population databases (rs372515643, gnomAD 0.008%). This variant has not been reported in the literature in individuals affected with DDX58-related conditions. ClinVar contains an entry for this variant (Variation ID: 2956635). Invitae Evidence Modeling of protein sequence and biophysical properties (such as structural, functional, and spatial information, amino acid conservation, physicochemical variation, residue mobility, and thermodynamic stability) indicates that this missense variant is not expected to disrupt DDX58 protein function with a negative predictive value of 80%. In summary, the available evidence is currently insufficient to determine the role of this variant in disease. Therefore, it has been classified as a Variant of Uncertain Significance.

Ambry Genetics
Classification: Uncertain significance for Inborn genetic diseases. Last evaluated: 2025-03-28. Review status: criteria provided, single submitter. Criteria: Ambry Variant Classification Scheme 2023. Collection method: clinical testing. Allele origin: germline.